The following is an entry in ClinVar:

ClinVar aggregate classification (germline): Uncertain significance. Review status: criteria provided, multiple submitters, no conflicts (2 of 4 stars). 2 submissions from 2 submitters: Uncertain significance (2). Last evaluated 2024-03-01.

Allele frequency attached by ClinVar (database versions not stated): gnomAD exomes below 0.00001.
gnomAD v4.1: 2 of 1,614,216 alleles (0.00012%); highest among the groups gnomAD compares: Non-Finnish European, 0.00017%; no homozygotes.

Submissions (2):

CeGaT Center for Human Genetics Tuebingen
Classification: Uncertain significance. Last evaluated: 2024-03-01. Review status: criteria provided, single submitter. Criteria: CeGaT Center For Human Genetics Tuebingen Variant Classification Criteria Version 2. Collection method: clinical testing. Allele origin: germline. Affected: yes. Observed: 1 variant allele.
Comment: SH3TC2: PM2, PM3:Supporting, BP4

Revvity Omics, Revvity
Classification: Uncertain significance. Last evaluated: 2023-11-07. Review status: criteria provided, single submitter. Criteria: ACMG Guidelines, 2015. Collection method: clinical testing. Allele origin: germline.

NM_024577.4(SH3TC2):c.2110A>T (p.Met704Leu)

Gene: SH3TC2 (SH3 domain and tetratricopeptide repeats 2; minus strand). Cytogenetic location: 5q32.
Variant type: single nucleotide variant.
Coding change: c.2110A>T on transcript NM_024577.4 (MANE Select); coding-DNA position 2110, A replaced by T.
Protein change: p.Met704Leu; replaces methionine 704 with leucine.
Molecular consequence: missense variant.
Genome position (GRCh38, 1-based): chr5:149,027,622, T>A on the plus strand (A>T on the coding strand, the complement: SH3TC2 is on the minus strand). VCF-style: chr5-149027622-T-A. GRCh37 (hg19) VCF-style: chr5-148407185-T-A.
Other names: short protein forms M704L.
Identifiers: ClinVar variation 2689962 (VCV002689962.22), dbSNP rs2531772579, ClinGen allele CA361667057.